The following is an entry in ClinVar:

NM_017950.4(CCDC40):c.83A>G (p.Glu28Gly)

Gene: CCDC40 (coiled-coil domain 40 molecular ruler complex subunit; plus strand). Cytogenetic location: 17q25.3.
Variant type: single nucleotide variant.
Coding change: c.83A>G on transcript NM_017950.4 (MANE Select); coding-DNA position 83, A replaced by G.
Protein change: p.Glu28Gly; replaces glutamic acid 28 with glycine.
Molecular consequence: missense variant.
Genome position (GRCh38, 1-based): chr17:80,038,176, A>G. VCF-style: chr17-80038176-A-G. GRCh37 (hg19) VCF-style: chr17-78011975-A-G.
Other names: c.83A>G, p.Glu28Gly (NM_001243342.2, NM_001330508.2); short protein forms E28G.
Identifiers: ClinVar variation 505068 (VCV000505068.4), dbSNP rs1555889343, ClinGen allele CA401345361.

ClinVar aggregate classification (germline): Likely benign (1 of 4 stars; one submission).

Submission:

Laboratory for Molecular Medicine, Mass General Brigham Personalized Medicine
Classification: Likely benign. Last evaluated: 2016-06-07. Review status: criteria provided, single submitter. Criteria: LMM Criteria. Collection method: clinical testing. Allele origin: germline. Observed: 1 variant allele.
Comment: p.Glu28Gly of CCDC40: This variant is not expected to have clinical significance due to a lack of conservation across species, including mammals. Of note, four mammals have a glycine (Gly) at this position despite high nearby amino acid con servation. In addition, computational prediction tools do not suggest a high lik elihood of impact to the protein. This variant was absent from large population studies.